The following is an entry in ClinVar:

ClinVar aggregate classification (germline): Uncertain significance. Review status: criteria provided, multiple submitters, no conflicts (2 of 4 stars). 5 submissions from 5 submitters: Uncertain significance (4). 1 of the submissions does not count toward it. Last evaluated 2024-11-22.

Conditions:
Fanconi anemia complementation group G. Also called: Fanconi anemia group G; FANCG-Related Fanconi Anemia. Identifiers: Orphanet 84, MedGen C3469527, MONDO:0013565, OMIM 614082.
Inborn genetic diseases. Identifiers: MedGen C0950123, MeSH D030342.
Fanconi anemia (FA). Also called: Fanconi's anemia. Identifiers: Orphanet 84, MedGen C0015625, MeSH D005199, MONDO:0019391.

Allele frequency attached by ClinVar (database versions not stated): gnomAD exomes 0.00001; TOPMed 0.00002; gnomAD 0.00003 and 0.00004.

Submissions (5):

Ambry Genetics
Classification: Uncertain significance for Inborn genetic diseases. Last evaluated: 2024-11-22. Review status: criteria provided, single submitter. Criteria: Ambry Variant Classification Scheme 2023. Collection method: clinical testing. Allele origin: germline.
Comment: The p.G294R variant (also known as c.880G>A), located in coding exon 7 of the FANCG gene, results from a G to A substitution at nucleotide position 880. The glycine at codon 294 is replaced by arginine, an amino acid with dissimilar properties. This amino acid position is conserved. In addition, this alteration is predicted to be tolerated by in silico analysis. Based on the available evidence, the clinical significance of this variant remains unclear.

Fulgent Genetics
Classification: Uncertain significance for Fanconi anemia complementation group G. Last evaluated: 2024-04-23. Review status: criteria provided, single submitter. Criteria: ACMG Guidelines, 2015. Collection method: clinical testing. Allele origin: germline.

Labcorp Genetics (formerly Invitae), Labcorp
Classification: Uncertain significance for Fanconi anemia. Last evaluated: 2024-04-10. Review status: criteria provided, single submitter. Criteria: Invitae Variant Classification Sherloc (09022015). Collection method: clinical testing. Allele origin: germline.
Comment: This sequence change replaces glycine, which is neutral and non-polar, with arginine, which is basic and polar, at codon 294 of the FANCG protein (p.Gly294Arg). This variant is present in population databases (no rsID available, gnomAD 0.007%). This variant has not been reported in the literature in individuals affected with FANCG-related conditions. ClinVar contains an entry for this variant (Variation ID: 366735). Advanced modeling of protein sequence and biophysical properties (such as structural, functional, and spatial information, amino acid conservation, physicochemical variation, residue mobility, and thermodynamic stability) performed at Invitae indicates that this missense variant is expected to disrupt FANCG protein function with a positive predictive value of 80%. In summary, the available evidence is currently insufficient to determine the role of this variant in disease. Therefore, it has been classified as a Variant of Uncertain Significance.

Illumina Laboratory Services, Illumina
Classification: Uncertain significance for Fanconi anemia complementation group G. Last evaluated: 2018-01-13. Review status: criteria provided, single submitter. Criteria: ICSL Variant Classification Criteria 13 December 2019. Collection method: clinical testing. Allele origin: germline.

Natera, Inc.
Classification: Uncertain significance for Fanconi anemia group G. Last evaluated: 2019-10-28. Review status: no assertion criteria provided. Collection method: clinical testing. Allele origin: germline. Not counted in ClinVar's aggregate classification.

NM_004629.2(FANCG):c.880G>A (p.Gly294Arg)

Gene: FANCG (FA complementation group G; minus strand). Cytogenetic location: 9p13.3.
Variant type: single nucleotide variant.
Coding change: c.880G>A on transcript NM_004629.2 (MANE Select); coding-DNA position 880, G replaced by A.
Protein change: p.Gly294Arg; replaces glycine 294 with arginine.
Molecular consequence: missense variant.
Genome position (GRCh38, 1-based): chr9:35,076,768, C>T on the plus strand (G>A on the coding strand, the complement: FANCG is on the minus strand). VCF-style: chr9-35076768-C-T. GRCh37 (hg19) VCF-style: chr9-35076765-C-T.
Other names: short protein forms G294R.
Identifiers: ClinVar variation 366735 (VCV000366735.18), dbSNP rs886063897, ClinGen allele CA10627289.